The following is an entry in ClinVar:

NM_001807.6(CEL):c.615_618delinsAAA (p.Asn206fs)

Gene: CEL (carboxyl ester lipase; plus strand). Cytogenetic location: 9q34.13.
Variant type: Indel.
Coding change: c.615_618delinsAAA on transcript NM_001807.6 (MANE Select); coding-DNA positions 615 to 618, CAAC replaced by AAA.
Protein change: p.Asn206fs; shifts the reading frame from asparagine 206.
Molecular consequence: frameshift variant.
Genome position (GRCh38, 1-based): chr9:133,066,606-133,066,609, CAAC replaced by AAA. VCF-style: chr9-133066606-CAAC-AAA. GRCh37 (hg19) VCF-style: chr9-135941993-CAAC-AAA.
Other names: short protein forms N206fs.
Identifiers: ClinVar variation 1676818 (VCV001676818.2), dbSNP rs2119062642, ClinGen allele CA2573144300.

ClinVar aggregate classification (germline): Likely pathogenic (1 of 4 stars; one submission).

Submission:

MVZ Dr. Eberhard & Partner Dortmund
Classification: Likely pathogenic. Last evaluated: 2022-02-09. Review status: criteria provided, single submitter. Criteria: ACMG Guidelines, 2015. Collection method: clinical testing. Allele origin: unknown. Observed: 1 heterozygote.
Comment: This sequence change is likely causing a frameshift that results in a premature STOP codon. It is predicted to cause loss of function due to nonsense mediated decay (NMD), which is a known mechanism of the disease. The variant is not present in controls from the Exome Sequencing Project, 1000 Genomes Project and the Genome Aggregation Database. This variant is considered to be likely pathogenic according to the ACMG guidelines.